The following is an entry in ClinVar:

NM_002755.4(MAP2K1):c.904A>C (p.Met302Leu)

Gene: MAP2K1 (mitogen-activated protein kinase kinase 1; plus strand). Cytogenetic location: 15q22.31.
Variant type: single nucleotide variant.
Coding change: c.904A>C on transcript NM_002755.4 (MANE Select); coding-DNA position 904, A replaced by C.
Protein change: p.Met302Leu; replaces methionine 302 with leucine.
Molecular consequence: missense variant.
Genome position (GRCh38, 1-based): chr15:66,487,236, A>C. VCF-style: chr15-66487236-A-C. GRCh37 (hg19) VCF-style: chr15-66779574-A-C.
Other names: c.904A>C (NM_002755.3); short protein forms M302L.
Identifiers: ClinVar variation 1003468 (VCV001003468.10), dbSNP rs1023593707, ClinGen allele CA271675760.
Genomic context (GRCh38, chr15:66,487,236, plus strand): 5'-TAACAAGTAATCTGTTTCTGAGAAGTATTTTTTCTTTTTATAAAATTTGTAGCATACGGA[A>C]TGGACAGCCGACCTCCCATGGCAATTTTTGAGTTGTTGGATTACATAGTCAACGAGGTAA-3'
Protein context (NP_002746.1, residues 292-312): TPGRPLSSYG[Met302Leu]DSRPPMAIFE

ClinVar aggregate classification (germline): Uncertain significance. Review status: criteria provided, multiple submitters, no conflicts (2 of 4 stars). 3 submissions from 3 submitters: Uncertain significance (3). Last evaluated 2025-03-30.

Conditions:
MAP2K1-related disorder. Also called: MAP2K1-related disorders; MAP2K1-related condition.
RASopathy. Also called: Noonan spectrum disorder; rasopathies. Identifiers: Orphanet 536391, MedGen C5555857, MONDO:0021060.
Cardiovascular phenotype. Identifiers: MedGen CN230736.

Allele frequency attached by ClinVar (database versions not stated): gnomAD 0.00001; TOPMed 0.00001.
gnomAD v4.1: 1 of 1,613,916 alleles (0.000062%); highest among the groups gnomAD compares: Non-Finnish European, 0.000085%; no homozygotes.

Submissions (3):

Labcorp Genetics (formerly Invitae), Labcorp
Classification: Uncertain significance for RASopathy. Last evaluated: 2025-03-30. Review status: criteria provided, single submitter. Criteria: Invitae Variant Classification Sherloc (09022015). Collection method: clinical testing. Allele origin: germline.
Comment: This sequence change replaces methionine, which is neutral and non-polar, with leucine, which is neutral and non-polar, at codon 302 of the MAP2K1 protein (p.Met302Leu). This variant is not present in population databases (gnomAD no frequency). This variant has not been reported in the literature in individuals affected with MAP2K1-related conditions. ClinVar contains an entry for this variant (Variation ID: 1003468). Invitae Evidence Modeling of protein sequence and biophysical properties (such as structural, functional, and spatial information, amino acid conservation, physicochemical variation, residue mobility, and thermodynamic stability) has been performed for this missense variant. However, the output from this modeling did not meet the statistical confidence thresholds required to predict the impact of this variant on MAP2K1 protein function. In summary, the available evidence is currently insufficient to determine the role of this variant in disease. Therefore, it has been classified as a Variant of Uncertain Significance.

Ambry Genetics
Classification: Uncertain significance for Cardiovascular phenotype. Last evaluated: 2023-12-29. Review status: criteria provided, single submitter. Criteria: Ambry Variant Classification Scheme 2023. Collection method: clinical testing. Allele origin: germline.
Comment: The p.M302L variant (also known as c.904A>C), located in coding exon 8 of the MAP2K1 gene, results from an A to C substitution at nucleotide position 904. The methionine at codon 302 is replaced by leucine, an amino acid with highly similar properties. This amino acid position is conserved. In addition, this alteration is predicted to be tolerated by in silico analysis. Since supporting evidence is limited at this time, the clinical significance of this alteration remains unclear.

PreventionGenetics, part of Exact Sciences
Classification: Uncertain significance for MAP2K1-related condition. Last evaluated: 2023-06-29. Review status: criteria provided, single submitter. Criteria: ACMG Guidelines, 2015. Collection method: clinical testing. Allele origin: germline.
Comment: The MAP2K1 c.904A>C variant is predicted to result in the amino acid substitution p.Met302Leu. To our knowledge, this variant has not been reported in the literature or in a large population database, indicating this variant is rare. At this time, the clinical significance of this variant is uncertain due to the absence of conclusive functional and genetic evidence.